The following is an entry in ClinVar:

ClinVar aggregate classification (germline): Pathogenic. Review status: criteria provided, multiple submitters, no conflicts (2 of 4 stars). 27 submissions from 27 submitters: Pathogenic (24). 3 of the submissions do not count toward it. Last evaluated 2026-05-01.

Conditions:
Multiple endocrine neoplasia type 2A. Also called: MULTIPLE ENDOCRINE NEOPLASIA, TYPE IIA; PTC SYNDROME; SIPPLE SYNDROME; MEN 2A; MEN-2A syndrome; Pheochromocytoma and amyloid producing medullary thyroid carcinoma. Identifiers: Orphanet 247698, Orphanet 653, MedGen C0025268, MeSH D018813, MONDO:0008234, OMIM 171400.
Hirschsprung disease, susceptibility to, 1 (HSCR1). Also called: RET-Related Hirschsprung Disease. Identifiers: Orphanet 388, MedGen C3888239, MONDO:0007723, OMIM 142623.
Hereditary cancer-predisposing syndrome. Also called: Neoplastic Syndromes, Hereditary; Tumor predisposition; Hereditary neoplastic syndrome; Hereditary Cancer Syndrome. Identifiers: Orphanet 140162, MedGen C0027672, MeSH D009386, MONDO:0015356.
Familial medullary thyroid carcinoma (MTC). Also called: Thyroid cancer, familial medullary; MTC, familial; Familial Medullary Thyroid Carcinoma (FMTC). Identifiers: Orphanet 653, Orphanet 99361, MedGen C1833921, MONDO:0007958, OMIM 155240.
Multiple endocrine neoplasia type 2B. Also called: MEN 2B; Multiple endocrine neoplasia, type 3; MULTIPLE ENDOCRINE NEOPLASIA, TYPE IIB; MUCOSAL NEUROMA SYNDROME; NEUROMATA, MUCOSAL, WITH ENDOCRINE TUMORS; WAGENMANN-FROBOESE SYNDROME. Identifiers: Orphanet 247709, Orphanet 653, MedGen C0025269, MeSH D018814, MONDO:0008082, OMIM 162300.
Multiple endocrine neoplasia, type 2 (MEN2). Identifiers: Orphanet 653, MedGen C4048306, MONDO:0019003. Disease mechanism: gain of function.

Allele frequency attached by ClinVar (database versions not stated): gnomAD 0.00001 and 0.00002; 1000 Genomes Project 0.00020; 1000 Genomes Project 30x 0.00031.
gnomAD v4.1: 21 of 1,613,962 alleles (0.0013%); highest among the groups gnomAD compares: African/African-American, 0.0027%; no homozygotes.

Submissions 1 to 9 of 27:

CeGaT Center for Human Genetics Tuebingen
Classification: Pathogenic. Last evaluated: 2026-05-01. Review status: criteria provided, single submitter. Criteria: CeGaT Center For Human Genetics Tuebingen Variant Classification Criteria Version 2. Collection method: clinical testing. Allele origin: germline. Affected: yes. Observed: 5 variant alleles.
Comment: RET: PP1:Strong, PS1, PM1, PM2, PS4:Moderate

Labcorp Genetics (formerly Invitae), Labcorp
Classification: Pathogenic for Multiple endocrine neoplasia, type 2. Last evaluated: 2026-01-16. Review status: criteria provided, single submitter. Criteria: Invitae Variant Classification Sherloc (09022015). Collection method: clinical testing. Allele origin: germline.
Comment: This sequence change replaces leucine, which is neutral and non-polar, with phenylalanine, which is neutral and non-polar, at codon 790 of the RET protein (p.Leu790Phe). This variant is present in population databases (rs75030001, gnomAD 0.007%). This missense change has been observed in individual(s) with medullary thyroid carcinoma and/or pheochromocytoma (PMID: 9506724, 12409662, 12490841, 21688339, 22403753, 22965292, 23756355). Notably, the p.Leu790Phe variant is associated with a less aggressive form of multiple endocrine neoplasia type 2, with fewer cases of pheochromocytoma compared to other pathogenic RET variants (PMID: 23756355, 21688339, 12490841). It has also been observed to segregate with disease in related individuals. ClinVar contains an entry for this variant (Variation ID: 38612). An algorithm developed to predict the effect of missense changes on protein structure and function (PolyPhen-2) suggests that this variant is likely to be disruptive. Experimental studies have shown that this missense change does not substantially affect RET function (PMID: 21810974). For these reasons, this variant has been classified as Pathogenic.

Center for Genomic Medicine, Rigshospitalet, Copenhagen University Hospital
Classification: Pathogenic. Last evaluated: 2025-12-29. Review status: criteria provided, single submitter. Criteria: ACMG Guidelines, 2015. Collection method: clinical testing. Allele origin: germline.

Dasa
Classification: Pathogenic. Last evaluated: 2025-12-26. Review status: criteria provided, single submitter. Criteria: DASA Assertion Criteria. Collection method: clinical testing. Allele origin: germline.
Comment: NM_020975.6(RET):c.2370G>T (p.Leu790Phe) is a missense variant that results in the substitution of leucine with phenylalanine. This variant has been recurrently observed in individuals with related phenotype (PMID: 21810974; PMID: 33340421; PMID: 33827484). Segregation evidence has been reported in affected families. Multiple computational predictions support a deleterious effect on the gene or gene product. The variant is present at low frequency in population datasets. Based on the available data, this variant is classified as pathogenic.

Genomic Medicine Center of Excellence, King Faisal Specialist Hospital and Research Centre
Classification: Pathogenic for Hirschsprung disease, susceptibility to, 1. Last evaluated: 2025-09-10. Review status: criteria provided, single submitter. Criteria: ACMG Guidelines, 2015. Collection method: clinical testing. Allele origin: germline.

Color Diagnostics, LLC DBA Color Health
Classification: Pathogenic for Multiple endocrine neoplasia, type 2. Last evaluated: 2025-08-26. Review status: criteria provided, single submitter. Criteria: ACMG Guidelines, 2015. Collection method: clinical testing. Allele origin: germline.
Comment: This missense variant replaces leucine with phenylalanine at codon 790 of the RET protein. Computational prediction suggests that this variant may have deleterious impact on protein structure and function. A functional study has reported that this variant protein does not confer significant cell transforming activity in transfected ex vivo cells (PMID: 21810974). This variant has been reported in multiple individuals affected with medullary thyroid cancer (PMID: 9506724, 12409662, 12490841, 18062802, 26254625, 27379493, 32411094, 33827484) and an individual affected with bilateral adrenal pheochromocytoma (PMID: 22403753). This variant is also reported to segregate with medullary thyroid cancer in individuals from over 10 families (PMID: 9506724, 12409662, 33827484). This variant has been described as a low- to moderate-risk variant for medullary thyroid cancer based on the American Thyroid Association stratification (PMID: 23756355, 33167350, 33827484). This variant has been identified in 5/251150 chromosomes in the general population by the Genome Aggregation Database (gnomAD). Based on the available evidence, this variant is classified as Pathogenic.

Quest Diagnostics Nichols Institute San Juan Capistrano
Classification: Pathogenic. Last evaluated: 2025-04-04. Review status: criteria provided, single submitter. Criteria: Quest Diagnostics criteria. Collection method: clinical testing. Allele origin: unknown.
Comment: The RET c.2370G>T (p.Leu790Phe) variant has been reported in the published literature in multiple individuals affected with MEN 2A syndrome, including medullary thyroid carcinoma (MTC) and C-cell hyperplasia (PMIDs: 9506724 (1998), 12409662 (2002), 18062802 (2008), 18248648 (2008), 21688339 (2012), 23756355 (2013), 26254625 (2016), 37046785 (2023), 38339246 (2024)). This variant is described by the American Thyroid Association (ATA) as being associated with a moderate risk of aggressive MTC (PMID: 25810047 (2015), 37835559 (2023)). This variant produces the same amino acid change as another deleterious variant, c.2370G>C (PMID: 9506724 (1998)). The frequency of the c.2370G>T variant in the general population, 0.000026 (3/113532 chromosomes (Genome Aggregation Database)), is consistent with pathogenicity. Based on the available information, this variant is classified as pathogenic.

Ambry Genetics
Classification: Pathogenic for Hereditary cancer-predisposing syndrome. Last evaluated: 2025-01-07. Review status: criteria provided, single submitter. Criteria: Ambry Variant Classification Scheme 2023. Collection method: clinical testing. Allele origin: germline.
Comment: The c.2370G>T (p.L790F) alteration is located in exon 13 (coding exon 13) of the RET gene. This alteration results from a G to T substitution at nucleotide position 2370, causing the leucine (L) at amino acid position 790 to be replaced by a phenylalanine (F). pathogenic with moderate risk for MEN2; however, the association of this alteration with Hirschsprung disease is unknown. Based on data from gnomAD, the T allele has an overall frequency of 0.002% (5/251150) total alleles studied. The highest observed frequency was 0.006% (1/16228) of African alleles. This mutation has been described in a German family with multiple endocrine neoplasia type 2 (MEN2); the index case and three other affected family members all had medullary thyroid cancer (MTC) and a pheochromocytoma (PCC) and two other affected family members had medullary thyroid cancer only (Berndt, 1998). Subsequently, this mutation has been observed in individuals with MTC and/or PCC of various ethnic backgrounds, including French, Korean, and Chinese (Min, 2012; Bihan, 2012; Pirich, 2012; Qi, 2012; Innella, 2020). The American Thyroid Association has designated alterations at this codon occurring without additional RET mutations as moderate risk mutations (Wells, 2015). This amino acid position is well conserved in available vertebrate species. This alteration is predicted to be deleterious by in silico analysis. Based on the available evidence, this alteration is classified as pathogenic.

Mayo Clinic Laboratories, Mayo Clinic
Classification: Pathogenic. Last evaluated: 2024-07-08. Review status: criteria provided, single submitter. Criteria: ACMG Guidelines, 2015. Collection method: clinical testing. Allele origin: germline.
Comment: PP1_strong, PP3, PP4, PP5, PM2, PS4_moderate

NM_020975.6(RET):c.2370G>T (p.Leu790Phe)

Gene: RET (ret proto-oncogene; plus strand). Cytogenetic location: 10q11.21.
Variant type: single nucleotide variant.
Coding change: c.2370G>T on transcript NM_020975.6 (MANE Select); coding-DNA position 2370, G replaced by T.
Protein change: p.Leu790Phe; replaces leucine 790 with phenylalanine.
Molecular consequence: missense variant.
Genome position (GRCh38, 1-based): chr10:43,118,458, G>T. VCF-style: chr10-43118458-G-T. GRCh37 (hg19) VCF-style: chr10-43613906-G-T.
Other names: c.2370G>T (NM_020975.5); c.2082G>T, p.Leu694Phe (NM_001406766.1, NM_001406767.1, NM_001406770.1); c.2106G>T, p.Leu702Phe (NM_001406768.1); c.1974G>T, p.Leu658Phe (NM_001406769.1, NM_001406772.1); c.1932G>T, p.Leu644Phe (NM_001406771.1, NM_001406773.1); c.1845G>T, p.Leu615Phe (NM_001406774.1); c.1644G>T, p.Leu548Phe (NM_001406775.1, NM_001406776.1, NM_001406777.1 and 1 more transcripts); c.1353G>T, p.Leu451Phe (NM_001406785.1); and 11 more; short protein forms L790F, L536F, L395F, L491F, L745F, L747F, L446F, L615F.
Identifiers: ClinVar variation 38612 (VCV000038612.88), dbSNP rs75030001, ClinGen allele CA008709.
Genomic context (GRCh38, chr10:43,118,458, plus strand): 5'-AGACCTGCTGTCAGAGTTCAACGTCCTGAAGCAGGTCAACCACCCACATGTCATCAAATT[G>T]TATGGGGCCTGCAGCCAGGATGGTAAGGCCAGCTGCAGGGTGAGGTGGGCAGCCACTGCA-3'
Protein context (NP_066124.1, residues 780-800): KQVNHPHVIK[Leu790Phe]YGACSQDGPL